The following is an entry in ClinVar:

ClinVar aggregate classification (germline): Uncertain significance (1 of 4 stars; one submission).

Allele frequency attached by ClinVar (database versions not stated): TOPMed below 0.00001; ExAC 0.00001; gnomAD exomes 0.00001.
gnomAD v4.1: 5 of 1,611,198 alleles (0.00031%); highest among the groups gnomAD compares: Non-Finnish European, 0.00042%; no homozygotes.

Submission:

Laboratory for Molecular Medicine, Mass General Brigham Personalized Medicine
Classification: Uncertain significance. Last evaluated: 2015-07-06. Review status: criteria provided, single submitter. Criteria: LMM Criteria. Collection method: clinical testing. Allele origin: germline. Observed: 1 variant allele.
Comment: The p.Arg269Gln variant in USH1G has not been previously reported in individuals with hearing loss or Usher syndrome, but has been identified in 1/64314 Europea n chromosomes by the Exome Aggregation Consortium (ExAC; dbSNP rs753080270). Although this variant has been seen in the general population, its frequency is not high enough to rule out a pathogenic role. Comp utational prediction tools and conservation analysis do not provide strong suppo rt for or against an impact to the protein. In summary, the clinical significanc e of the p.Arg269Gln variant is uncertain.

NM_173477.5(USH1G):c.806G>A (p.Arg269Gln)

Gene: USH1G (USH1 protein network component sans; minus strand). Cytogenetic location: 17q25.1.
Variant type: single nucleotide variant.
Coding change: c.806G>A on transcript NM_173477.5 (MANE Select); coding-DNA position 806, G replaced by A.
Protein change: p.Arg269Gln; replaces arginine 269 with glutamine.
Molecular consequence: missense variant.
Genome position (GRCh38, 1-based): chr17:74,920,030, C>T on the plus strand (G>A on the coding strand, the complement: USH1G is on the minus strand). VCF-style: chr17-74920030-C-T. GRCh37 (hg19) VCF-style: chr17-72916125-C-T.
Other names: c.497G>A, p.Arg166Gln (NM_001282489.3); short protein forms R269Q, R166Q.
Identifiers: ClinVar variation 229609 (VCV000229609.5), dbSNP rs753080270, ClinGen allele CA8753998.